The following is an entry in ClinVar:

ClinVar aggregate classification (germline): Uncertain significance. Review status: criteria provided, multiple submitters, no conflicts (2 of 4 stars). 3 submissions from 3 submitters: Uncertain significance (2). 1 of the submissions does not count toward it. Last evaluated 2025-02-28.

Conditions:
Marfan syndrome (MFS). Also called: MARFAN SYNDROME, TYPE I; Marfan syndrome type 1; Marfan's syndrome; Marfan syndrome, classic; FBN1-Related Marfan Syndrome. Identifiers: Orphanet 284963, Orphanet 558, MedGen C0024796, MONDO:0007947, OMIM 154700.
FBN1-related disorder. Also called: FBN1-related disorders.

Submissions (3):

GeneDx
Classification: Uncertain significance. Last evaluated: 2025-02-28. Review status: criteria provided, single submitter. Criteria: GeneDx Variant Classification Process June 2021. Collection method: clinical testing. Allele origin: germline. Affected: yes.
Comment: Not observed at significant frequency in large population cohorts (gnomAD); In silico analysis indicates that this missense variant does not alter protein structure/function; Has not been previously published as pathogenic or benign to our knowledge; Does not affect a cysteine or calcium-binding residue within an EGF-like domain or a TGF-binding protein domain of the FBN1 gene; cysteine substitutions in the EGF-like domains represent the majority of pathogenic missense changes associated with FBN1-related disorders (PMID: 12938084); This variant is associated with the following publications: (PMID: 12938084)

All of Us Research Program, National Institutes of Health
Classification: Uncertain significance for Marfan syndrome. Last evaluated: 2023-12-13. Review status: criteria provided, single submitter. Criteria: ACMG Guidelines, 2015. Collection method: clinical testing. Allele origin: germline. Inheritance: Autosomal dominant inheritance. Observed: 1 variant allele, 1 heterozygote.
Comment: This missense variant replaces lysine with methionine at codon 2760 of the FBN1 protein. Computational prediction is inconclusive regarding the impact of this variant on protein structure and function (internally defined REVEL score threshold 0.5 < inconclusive < 0.7, PMID: 27666373). To our knowledge, functional studies have not been reported for this variant. This variant has not been reported in individuals affected with FBN1-related disorders in the literature. This variant has not been identified in the general population by the Genome Aggregation Database (gnomAD). The available evidence is insufficient to determine the role of this variant in disease conclusively. Therefore, this variant is classified as a Variant of Uncertain Significance.

This study involves interpretation of variants in research participants for the purpose of population health screening. Participant phenotype was not available at the time of variant classification. Additional details can be found in publication PMID: 35346344, PMCID: PMC8962531

PreventionGenetics, part of Exact Sciences
Classification: Uncertain significance for FBN1-related condition. Last evaluated: 2023-11-08. Review status: no assertion criteria provided. Collection method: clinical testing. Allele origin: germline. Not counted in ClinVar's aggregate classification.
Comment: The FBN1 c.8279A>T variant is predicted to result in the amino acid substitution p.Lys2760Met. To our knowledge, this variant has not been reported in the literature or in a large population database, indicating this variant is rare. At this time, the clinical significance of this variant is uncertain due to the absence of conclusive functional and genetic evidence.

NM_000138.5(FBN1):c.8279A>T (p.Lys2760Met)

Gene: FBN1 (fibrillin 1; minus strand). Cytogenetic location: 15q21.1.
Variant type: single nucleotide variant.
Coding change: c.8279A>T on transcript NM_000138.5 (MANE Select); coding-DNA position 8279, A replaced by T.
Protein change: p.Lys2760Met; replaces lysine 2760 with methionine.
Molecular consequence: missense variant.
Genome position (GRCh38, 1-based): chr15:48,411,327, T>A on the plus strand (A>T on the coding strand, the complement: FBN1 is on the minus strand). VCF-style: chr15-48411327-T-A. GRCh37 (hg19) VCF-style: chr15-48703524-T-A.
Other names: c.8279A>T, p.Lys2760Met (NM_001406716.1); short protein forms K2760M.
Identifiers: ClinVar variation 3047165 (VCV003047165.4), dbSNP rs2505371695, ClinGen allele CA392319944.